The following is an entry in ClinVar:

ClinVar aggregate classification (germline): Likely benign (1 of 4 stars; one submission).

Submission:

CeGaT Center for Human Genetics Tuebingen
Classification: Likely benign. Last evaluated: 2026-01-01. Review status: criteria provided, single submitter. Criteria: CeGaT Center For Human Genetics Tuebingen Variant Classification Criteria Version 2. Collection method: clinical testing. Allele origin: germline. Affected: yes. Observed: 1 variant allele.
Comment: MUC2: BP4, BP7

NM_002457.5(MUC2):c.2478C>T (p.Asn826=)

Gene: MUC2 (mucin 2, oligomeric mucus/gel-forming; plus strand). Cytogenetic location: 11p15.5.
Variant type: single nucleotide variant.
Coding change: c.2478C>T on transcript NM_002457.5 (MANE Select); coding-DNA position 2478, C replaced by T.
Protein change: p.Asn826=; no amino-acid change (asparagine 826 retained).
Molecular consequence: synonymous variant.
Genome position (GRCh38, 1-based): chr11:1,086,350, C>T. VCF-style: chr11-1086350-C-T. GRCh37 (hg19) VCF-style: chr11-1084346-C-T.
Identifiers: ClinVar variation 4820993 (VCV004820993.4).